The following is an entry in ClinVar:

NM_170784.3(MKKS):c.164G>C (p.Cys55Ser)

Gene: MKKS (MKKS centrosomal shuttling protein; minus strand). Cytogenetic location: 20p12.2.
Variant type: single nucleotide variant.
Coding change: c.164G>C on transcript NM_170784.3 (MANE Select); coding-DNA position 164, G replaced by C.
Protein change: p.Cys55Ser; replaces cysteine 55 with serine.
Molecular consequence: missense variant.
Genome position (GRCh38, 1-based): chr20:10,413,351, C>G on the plus strand (G>C on the coding strand, the complement: MKKS is on the minus strand). VCF-style: chr20-10413351-C-G. GRCh37 (hg19) VCF-style: chr20-10393999-C-G.
Other names: c.164G>C, p.Cys55Ser (NM_018848.3); short protein forms C55S.
Identifiers: ClinVar variation 1961222 (VCV001961222.3), dbSNP rs1430948061, ClinGen allele CA408233702.

ClinVar aggregate classification (germline): Uncertain significance (1 of 4 stars; one submission).

Conditions:
Bardet-Biedl syndrome (BBS). Identifiers: Orphanet 110, MedGen C0752166, MONDO:0015229.
McKusick-Kaufman syndrome (MKKS). Also called: HYDROMETROCOLPOS SYNDROME; HYDROMETROCOLPOS, POSTAXIAL POLYDACTYLY, AND CONGENITAL HEART MALFORMATION. Identifiers: Orphanet 2473, MedGen C0948368, MONDO:0009367, OMIM 236700.

Submission:

Labcorp Genetics (formerly Invitae), Labcorp
Classification: Uncertain significance for McKusick-Kaufman syndrome; Bardet-Biedl syndrome. Last evaluated: 2022-03-19. Review status: criteria provided, single submitter. Criteria: Invitae Variant Classification Sherloc (09022015). Collection method: clinical testing. Allele origin: germline.
Comment: In summary, the available evidence is currently insufficient to determine the role of this variant in disease. Therefore, it has been classified as a Variant of Uncertain Significance. Algorithms developed to predict the effect of missense changes on protein structure and function are either unavailable or do not agree on the potential impact of this missense change (SIFT: "Deleterious"; PolyPhen-2: "Benign"; Align-GVGD: "Class C0"). This variant has not been reported in the literature in individuals affected with MKKS-related conditions. This variant is not present in population databases (gnomAD no frequency). This sequence change replaces cysteine, which is neutral and slightly polar, with serine, which is neutral and polar, at codon 55 of the MKKS protein (p.Cys55Ser).